The following is an entry in ClinVar:

ClinVar aggregate classification (germline): Pathogenic (1 of 4 stars; one submission).

Conditions:
D-2-hydroxyglutaric aciduria 1 (D2HGA1). Identifiers: Orphanet 79315, MedGen C3152055, MONDO:0024554, OMIM 600721.

Submission:

Labcorp Genetics (formerly Invitae), Labcorp
Classification: Pathogenic for D-2-hydroxyglutaric aciduria 1. Last evaluated: 2022-11-07. Review status: criteria provided, single submitter. Criteria: Invitae Variant Classification Sherloc (09022015). Collection method: clinical testing. Allele origin: germline.
Comment: For these reasons, this variant has been classified as Pathogenic. This variant disrupts a region of the D2HGDH protein in which other variant(s) (p.Ala474Val) have been determined to be pathogenic (PMID: 30908763, 33431826; Invitae). This suggests that this is a clinically significant region of the protein, and that variants that disrupt it are likely to be disease-causing. Algorithms developed to predict the effect of sequence changes on RNA splicing suggest that this variant may disrupt the consensus splice site. ClinVar contains an entry for this variant (Variation ID: 1480964). This variant has not been reported in the literature in individuals affected with D2HGDH-related conditions. This variant is not present in population databases (gnomAD no frequency). This sequence change creates a premature translational stop signal (p.Gly436Glufs*9) in the D2HGDH gene. While this is not anticipated to result in nonsense mediated decay, it is expected to disrupt the last 86 amino acid(s) of the D2HGDH protein.

Literature cited by the submitters: PubMed 30908763; PubMed 33431826.

NM_152783.5(D2HGDH):c.1306+1del

Gene: D2HGDH (D-2-hydroxyglutarate dehydrogenase; plus strand). Cytogenetic location: 2q37.3.
Variant type: Deletion.
Coding change: c.1306+1del on transcript NM_152783.5 (MANE Select); the canonical splice donor site of the intron after coding-DNA position 1306, one base deleted (G; older notation c.1306+1delG).
Molecular consequence: splice donor variant.
Genome position (GRCh38, 1-based): chr2:241,756,015, G deleted; the last of 2 consecutive G bases (chr2:241,756,014-241,756,015); deleting either gives the same sequence. VCF-style (leftmost placement, unchanged base first): chr2-241756013-TG-T. GRCh37 (hg19) VCF-style: chr2-242695428-TG-T.
Other names: c.745+1del (NM_001352824.2); c.904+1del (NM_001287249.2).
Identifiers: ClinVar variation 1480964 (VCV001480964.6), dbSNP rs2125158367, ClinGen allele CA2573135702.